The following is an entry in ClinVar:

NM_182914.3(SYNE2):c.9149C>G (p.Ala3050Gly)

Gene: SYNE2 (spectrin repeat containing nuclear envelope protein 2; plus strand). Cytogenetic location: 14q23.2.
Variant type: single nucleotide variant.
Coding change: c.9149C>G on transcript NM_182914.3 (MANE Select); coding-DNA position 9149, C replaced by G.
Protein change: p.Ala3050Gly; replaces alanine 3050 with glycine.
Molecular consequence: missense variant.
Genome position (GRCh38, 1-based): chr14:64,053,062, C>G. VCF-style: chr14-64053062-C-G. GRCh37 (hg19) VCF-style: chr14-64519780-C-G.
Other names: c.9149C>G, p.Ala3050Gly (NM_015180.6); short protein forms A3050G.
Identifiers: ClinVar variation 882741 (VCV000882741.9), dbSNP rs763273577, ClinGen allele CA7221225.
Genomic context (GRCh38, chr14:64,053,062, plus strand): 5'-AACTTGAAGAAAAAATTAAGCAGTTGGACACATTTGAGGAAGAACATGGCAAATATCAGG[C>G]ATTATTAAGTAAAATGAGAGCTATTGATTTGCAAATTAAGAAAATGACTGAAGTAGTACT-3'
Protein context (NP_878918.2, residues 3040-3060): TFEEEHGKYQ[Ala3050Gly]LLSKMRAIDL

ClinVar aggregate classification (germline): Conflicting classifications of pathogenicity. Review status: criteria provided, conflicting classifications (1 of 4 stars). 3 submissions from 3 submitters: Uncertain significance (1); Benign (1); Likely benign (1). Last evaluated 2024-12-15.

Conditions:
Emery-Dreifuss muscular dystrophy 5, autosomal dominant (EDMD5). Also called: EMERY-DREIFUSS MUSCULAR DYSTROPHY 5. Identifiers: Orphanet 261, MedGen C2751805, MONDO:0013072, OMIM 612999.

Allele frequency attached by ClinVar (database versions not stated): TOPMed 0.00001; gnomAD exomes 0.00007 and 0.00012; ExAC 0.00013.
gnomAD v4.1: 105 of 1,613,814 alleles (0.0065%); highest among the groups gnomAD compares: South Asian, 0.11%; 1 homozygote.

Submissions (3):

Labcorp Genetics (formerly Invitae), Labcorp
Classification: Likely benign for Emery-Dreifuss muscular dystrophy 5, autosomal dominant. Last evaluated: 2024-12-15. Review status: criteria provided, single submitter. Criteria: Invitae Variant Classification Sherloc (09022015). Collection method: clinical testing. Allele origin: germline.

Ambry Genetics
Classification: Uncertain significance. Last evaluated: 2024-10-12. Review status: criteria provided, single submitter. Criteria: Ambry Variant Classification Scheme 2023. Collection method: clinical testing. Allele origin: germline.

Illumina Laboratory Services, Illumina
Classification: Benign for Emery-Dreifuss muscular dystrophy 5, autosomal dominant. Last evaluated: 2018-01-13. Review status: criteria provided, single submitter. Criteria: ICSL Variant Classification Criteria 13 December 2019. Collection method: clinical testing. Allele origin: germline.
Comment: This variant was observed in the ICSL laboratory as part of a predisposition screen in an ostensibly healthy population. It had not been previously curated by ICSL or reported in the Human Gene Mutation Database (HGMD: prior to June 1st, 2018), and was therefore a candidate for classification through an automated scoring system. Utilizing variant allele frequency, disease prevalence and penetrance estimates, and inheritance mode, an automated score was calculated to assess if this variant is too frequent to cause the disease. Based on the score and internal cut-off values, a variant classified as benign is not then subjected to further curation. The score for this variant resulted in a classification of benign for this disease.